The following is an entry in ClinVar:

ClinVar aggregate classification (germline): Uncertain significance (1 of 4 stars; one submission).

Conditions:
Carnitine palmitoyl transferase 1A deficiency. Also called: CPT I DEFICIENCY; CPT DEFICIENCY, HEPATIC, TYPE I; Carnitine palmitoyltransferase 1A deficiency; CPT deficiency, hepatic, type IA; Carnitine palmitoyltransferase type I deficiency. Identifiers: Orphanet 156, MedGen C1829703, MONDO:0009705, OMIM 255120.

Allele frequency attached by ClinVar (database versions not stated): gnomAD exomes below 0.00001; ExAC 0.00001; gnomAD 0.00001; TOPMed 0.00002.

Submission:

Labcorp Genetics (formerly Invitae), Labcorp
Classification: Uncertain significance for Carnitine palmitoyl transferase 1A deficiency. Last evaluated: 2022-04-19. Review status: criteria provided, single submitter. Criteria: Invitae Variant Classification Sherloc (09022015). Collection method: clinical testing. Allele origin: germline.
Comment: This sequence change replaces isoleucine, which is neutral and non-polar, with valine, which is neutral and non-polar, at codon 512 of the CPT1A protein (p.Ile512Val). In summary, the available evidence is currently insufficient to determine the role of this variant in disease. Therefore, it has been classified as a Variant of Uncertain Significance. Algorithms developed to predict the effect of missense changes on protein structure and function (SIFT, PolyPhen-2, Align-GVGD) all suggest that this variant is likely to be tolerated. This variant has not been reported in the literature in individuals affected with CPT1A-related conditions. This variant is present in population databases (rs768193968, gnomAD 0.005%).

NM_001876.4(CPT1A):c.1534A>G (p.Ile512Val)

Gene: CPT1A (carnitine palmitoyltransferase 1A; minus strand). Cytogenetic location: 11q13.3.
Variant type: single nucleotide variant.
Coding change: c.1534A>G on transcript NM_001876.4 (MANE Select); coding-DNA position 1534, A replaced by G.
Protein change: p.Ile512Val; replaces isoleucine 512 with valine.
Molecular consequence: missense variant.
Genome position (GRCh38, 1-based): chr11:68,775,357, T>C on the plus strand (A>G on the coding strand, the complement: CPT1A is on the minus strand). VCF-style: chr11-68775357-T-C. GRCh37 (hg19) VCF-style: chr11-68542825-T-C.
Other names: c.1534A>G, p.Ile512Val (NM_001031847.3); short protein forms I512V.
Identifiers: ClinVar variation 1955989 (VCV001955989.4), dbSNP rs768193968, ClinGen allele CA6152283.